The following is an entry in ClinVar:

NM_013347.4(RPA4):c.13G>A (p.Gly5Arg)

Genes: DIAPH2 (diaphanous related formin 2; plus strand), RPA4 (replication protein A4; plus strand). Cytogenetic location: Xq21.33.
Variant type: single nucleotide variant.
Coding change: c.13G>A on transcript NM_013347.4 (MANE Select); coding-DNA position 13, G replaced by A.
Protein change: p.Gly5Arg; replaces glycine 5 with arginine.
Molecular consequence: missense variant. On other transcripts: intron variant (2).
Genome position (GRCh38, 1-based): chrX:96,884,323, G>A. VCF-style: chrX-96884323-G-A. GRCh37 (hg19) VCF-style: chrX-96139322-G-A.
Other names: c.587+2605G>A (NM_006729.5, NM_007309.4); short protein forms G5R.
Identifiers: ClinVar variation 2661022 (VCV002661022.24), dbSNP rs375731658, ClinGen allele CA10467937.

ClinVar aggregate classification (germline): Likely benign (1 of 4 stars; one submission).

Allele frequency attached by ClinVar (database versions not stated): TOPMed 0.00003; gnomAD exomes 0.00006; ExAC 0.00009; ESP Exome Variant Server 0.00009; gnomAD 0.00011.
gnomAD v4.1: 75 of 1,206,838 alleles (0.0062%); highest among the groups gnomAD compares: Non-Finnish European, 0.0072%; no homozygotes.

Submission:

CeGaT Center for Human Genetics Tuebingen
Classification: Likely benign. Last evaluated: 2023-03-01. Review status: criteria provided, single submitter. Criteria: CeGaT Center For Human Genetics Tuebingen Variant Classification Criteria Version 2. Collection method: clinical testing. Allele origin: germline. Affected: yes. Observed: 1 variant allele.
Comment: RPA4: BP4, BS2